The following is an entry in ClinVar:

NM_002585.4(PBX1):c.378G>A (p.Ser126=)

Gene: PBX1 (PBX homeobox 1; plus strand). Cytogenetic location: 1q23.3.
Variant type: single nucleotide variant.
Coding change: c.378G>A on transcript NM_002585.4 (MANE Select); coding-DNA position 378, G replaced by A.
Protein change: p.Ser126=; no amino-acid change (serine 126 retained).
Molecular consequence: synonymous variant.
Genome position (GRCh38, 1-based): chr1:164,792,606, G>A. VCF-style: chr1-164792606-G-A. GRCh37 (hg19) VCF-style: chr1-164761843-G-A.
Other names: c.378G>A, p.Ser126= (NM_001204961.2, NM_001204963.2, NM_001353131.2); c.129G>A, p.Ser43= (NM_001353130.1).
Identifiers: ClinVar variation 2639523 (VCV002639523.25), dbSNP rs912874716, ClinGen allele CA32162934.

ClinVar aggregate classification (germline): Likely benign. Review status: criteria provided, multiple submitters, no conflicts (2 of 4 stars). 2 submissions from 2 submitters: Likely benign (2). Last evaluated 2024-04-07.

Conditions:
Congenital anomalies of kidney and urinary tract syndrome with or without hearing loss, abnormal ears, or developmental delay. Also called: Congenital Anomalies of the Kidney and Urinary Tract syndrome with or without Hearing Loss, Abnormal Ears, or Developmental Delay. Identifiers: Orphanet 656130, MedGen C4539968, MONDO:0060549, OMIM 617641.

Allele frequency attached by ClinVar (database versions not stated): gnomAD exomes below 0.00001; TOPMed below 0.00001.

Submissions (2):

Fulgent Genetics
Classification: Likely benign for Congenital anomalies of kidney and urinary tract syndrome with or without hearing loss, abnormal ears, or developmental delay. Last evaluated: 2024-04-07. Review status: criteria provided, single submitter. Criteria: ACMG Guidelines, 2015. Collection method: clinical testing. Allele origin: germline.

CeGaT Center for Human Genetics Tuebingen
Classification: Likely benign. Last evaluated: 2023-02-01. Review status: criteria provided, single submitter. Criteria: CeGaT Center For Human Genetics Tuebingen Variant Classification Criteria Version 2. Collection method: clinical testing. Allele origin: germline. Affected: yes. Observed: 1 variant allele.
Comment: PBX1: BP4, BP7